The following is an entry in ClinVar:

ClinVar aggregate classification (germline): Uncertain significance (1 of 4 stars; one submission).

Conditions:
Epilepsy, childhood absence, susceptibility to, 5. Identifiers: Orphanet 64280, MedGen C2677087, MONDO:0012843, OMIM 612269.
Epilepsy, childhood absence, susceptibility to, 1. Also called: Epilepsy, childhood absence 1. Identifiers: Orphanet 64280, MedGen C1838604, MONDO:0020759, OMIM 600131.

Submission:

Labcorp Genetics (formerly Invitae), Labcorp
Classification: Uncertain significance for Epilepsy, childhood absence, susceptibility to, 5; Epilepsy, childhood absence, susceptibility to, 1. Last evaluated: 2022-07-19. Review status: criteria provided, single submitter. Criteria: Invitae Variant Classification Sherloc (09022015). Collection method: clinical testing. Allele origin: germline.
Comment: In summary, the available evidence is currently insufficient to determine the role of this variant in disease. Therefore, it has been classified as a Variant of Uncertain Significance. Advanced modeling of protein sequence and biophysical properties (such as structural, functional, and spatial information, amino acid conservation, physicochemical variation, residue mobility, and thermodynamic stability) performed at Invitae indicates that this missense variant is not expected to disrupt GABRB3 protein function. ClinVar contains an entry for this variant (Variation ID: 579267). This variant has not been reported in the literature in individuals affected with GABRB3-related conditions. This variant is not present in population databases (gnomAD no frequency). This sequence change replaces glycine, which is neutral and non-polar, with aspartic acid, which is acidic and polar, at codon 383 of the GABRB3 protein (p.Gly383Asp).

NM_000814.6(GABRB3):c.1148G>A (p.Gly383Asp)

Gene: GABRB3 (gamma-aminobutyric acid type A receptor subunit beta3; minus strand). Cytogenetic location: 15q12.
Variant type: single nucleotide variant.
Coding change: c.1148G>A on transcript NM_000814.6 (MANE Select); coding-DNA position 1148, G replaced by A.
Protein change: p.Gly383Asp; replaces glycine 383 with aspartic acid.
Molecular consequence: missense variant.
Genome position (GRCh38, 1-based): chr15:26,548,067, C>T on the plus strand (G>A on the coding strand, the complement: GABRB3 is on the minus strand). VCF-style: chr15-26548067-C-T. GRCh37 (hg19) VCF-style: chr15-26793214-C-T.
Other names: c.893G>A, p.Gly298Asp (NM_001191320.2, NM_001278631.2); c.935G>A, p.Gly312Asp (NM_001191321.3); c.1148G>A, p.Gly383Asp (NM_021912.5); short protein forms G383D, G298D, G312D.
Identifiers: ClinVar variation 579267 (VCV000579267.8), dbSNP rs1567090411, ClinGen allele CA391459262.
Genomic context (GRCh38, chr15:26,548,067, plus strand): 5'-CTGTACTGGATTCCTGAGTTGTCAAAGGATATTGCTGAATTCCTGGTATCGCCAATGCCG[C>T]CTGAGACCTCATTCATTTCATTGTGAACTTCCAGCGATGTCAACAGAATATTTCCATGAG-3'
Protein context (NP_000805.1, residues 373-393): EVHNEMNEVS[Gly383Asp]GIGDTRNSAI